The following is an entry in ClinVar:

NM_002778.4(PSAP):c.721-1G>A

Gene: PSAP (prosaposin; minus strand). Cytogenetic location: 10q22.1.
Variant type: single nucleotide variant.
Coding change: c.721-1G>A on transcript NM_002778.4 (MANE Select); the canonical splice acceptor site of the intron before coding-DNA position 721, G replaced by A.
Molecular consequence: splice acceptor variant.
Genome position (GRCh38, 1-based): chr10:71,825,894, C>T on the plus strand (G>A on the coding strand, the complement: PSAP is on the minus strand). VCF-style: chr10-71825894-C-T. GRCh37 (hg19) VCF-style: chr10-73585651-C-T.
Other names: c.721-1G>A (NM_001042466.3, NM_001042465.3).
Identifiers: ClinVar variation 968905 (VCV000968905.9), dbSNP rs1842392331, ClinGen allele CA377149669.

ClinVar aggregate classification (germline): Likely pathogenic. Review status: criteria provided, multiple submitters, no conflicts (2 of 4 stars). 2 submissions from 2 submitters: Likely pathogenic (2). Last evaluated 2019-10-23.

Conditions:
Sphingolipid activator protein 1 deficiency. Also called: Metachromatic leukodystrophy due to saposin B deficiency; Saposin B Deficiency; METACHROMATIC LEUKODYSTROPHY DUE TO CEREBROSIDE SULFATASE ACTIVATOR DEFICIENCY. Identifiers: Orphanet 512, MedGen C0268262, MONDO:0009590, OMIM 249900.
Krabbe disease due to saposin A deficiency. Also called: Saposin A Deficiency; KRABBE DISEASE, ATYPICAL, DUE TO SAPOSIN A DEFICIENCY. Identifiers: Orphanet 487, MedGen C2673266, MONDO:0012720, OMIM 611722.

Submissions (2):

Labcorp Genetics (formerly Invitae), Labcorp
Classification: Likely pathogenic for Sphingolipid activator protein 1 deficiency. Last evaluated: 2019-10-23. Review status: criteria provided, single submitter. Criteria: Invitae Variant Classification Sherloc (09022015). Collection method: clinical testing. Allele origin: germline.
Comment: This sequence change affects an acceptor splice site in intron 6 of the PSAP gene. It is expected to disrupt RNA splicing and likely results in an absent or disrupted protein product. This variant is not present in population databases (ExAC no frequency). This variant has not been reported in the literature in individuals with PSAP-related conditions. Algorithms developed to predict the effect of sequence changes on RNA splicing suggest that this variant may disrupt the consensus splice site, but this prediction has not been confirmed by published transcriptional studies. Donor and acceptor splice site variants typically lead to a loss of protein function (PMID: 16199547), and loss-of-function variants in PSAP are known to be pathogenic (PMID: 11309366, 19267410). In summary, the currently available evidence indicates that the variant is pathogenic, but additional data are needed to prove that conclusively. Therefore, this variant has been classified as Likely Pathogenic.

Neuberg Centre For Genomic Medicine, NCGM
Classification: Likely pathogenic for Krabbe disease due to saposin A deficiency. Review status: criteria provided, single submitter. Criteria: ACMG Guidelines, 2015. Collection method: clinical testing. Allele origin: germline. Inheritance: Autosomal recessive inheritance. Affected: yes.
Comment: The observed splice site c.721-1G>A variant in the PSAP gene has not been reported previously as a pathogenic variant nor as a benign variant, to our knowledge. The variant is absent in the gnomAD Exomes. The variant affects the AG acceptor splice site upstream to exon 10. Loss of function variants have been previously reported to be disease causing Kuchar L, et al., 2009. The variant is predicted to be damaging by SpliceAI prediction tool. For these reasons, this variant has been classified as Likely Pathogenic.

Literature cited by the submitters: PubMed 16199547 (cited by Labcorp Genetics (formerly Invitae), Labcorp); PubMed 11309366 (cited by Labcorp Genetics (formerly Invitae), Labcorp); PubMed 19267410 (cited by Labcorp Genetics (formerly Invitae), Labcorp).